The following is an entry in ClinVar:

NM_001363118.2(SLC52A2):c.931C>T (p.His311Tyr)

Gene: SLC52A2 (solute carrier family 52 member 2; plus strand). Cytogenetic location: 8q24.3.
Variant type: single nucleotide variant.
Coding change: c.931C>T on transcript NM_001363118.2 (MANE Select); coding-DNA position 931, C replaced by T.
Protein change: p.His311Tyr; replaces histidine 311 with tyrosine.
Molecular consequence: missense variant. On other transcripts: non-coding transcript variant (1).
Genome position (GRCh38, 1-based): chr8:144,360,423, C>T. VCF-style: chr8-144360423-C-T. GRCh37 (hg19) VCF-style: chr8-145584083-C-T.
Other names: c.931C>T, p.His311Tyr (NM_001253816.2, NM_001363120.2, NM_001363121.2 and 2 more transcripts); c.439C>T, p.His147Tyr (NM_001363122.2); c.667C>T, p.His223Tyr (NM_001410949.1); short protein forms H147Y, H223Y, H311Y.
Identifiers: ClinVar variation 3775616 (VCV003775616.2).

ClinVar aggregate classification (germline): Uncertain significance. Review status: criteria provided, multiple submitters, no conflicts (2 of 4 stars). 2 submissions from 2 submitters: Uncertain significance (2). Last evaluated 2024-09-06.

Conditions:
Brown-Vialetto-van Laere syndrome 2. Also called: Riboflavin transporter deficiency type 2; SPINOCEREBELLAR ATAXIA WITH BLINDNESS AND DEAFNESS 2. Identifiers: Orphanet 572543, Orphanet 97229, MedGen C3553538, MONDO:0013867, OMIM 614707.

Submissions (2):

Blueprint Genetics
Classification: Uncertain significance. Last evaluated: 2024-09-06. Review status: criteria provided, single submitter. Criteria: ACMG Guidelines, 2015. Collection method: clinical testing. Allele origin: germline.

3billion
Classification: Uncertain significance for Brown-Vialetto-van Laere syndrome 2. Last evaluated: 2024-01-10. Review status: criteria provided, single submitter. Criteria: ACMG Guidelines, 2015. Collection method: clinical testing. Allele origin: germline. Affected: yes.
Comment: The variant is not observed in the gnomAD v2.1.1 dataset. Predicted Consequence/Location: Missense variant In silico tool predictions suggest damaging effect of the variant on gene or gene product [REVEL: 0.88 (>=0.6, sensitivity 0.68 and specificity 0.92); 3Cnet: 0.87 (>=0.6, sensitivity 0.72 and precision 0.9)]. Therefore, this variant is classified as VUS according to the recommendation of ACMG/AMP guideline.